The following is an entry in ClinVar:

ClinVar aggregate classification (germline): Conflicting classifications of pathogenicity. Review status: criteria provided, conflicting classifications (1 of 4 stars). 4 submissions from 4 submitters: Uncertain significance (3); Likely benign (1). Last evaluated 2026-06-16.

Conditions:
Microcephalic osteodysplastic primordial dwarfism type II (MOPD2). Also called: Microcephalic osteodysplastic primordial dwarfism with tooth abnormalities; MOPD II; OSTEODYSPLASTIC PRIMORDIAL DWARFISM, TYPE II. Identifiers: Orphanet 2637, MedGen C0432246, MONDO:0008872, OMIM 210720.
PCNT-related disorder. Also called: PCNT-related condition.

Allele frequency attached by ClinVar (database versions not stated): gnomAD exomes 0.00002 and 0.00016; gnomAD 0.00004 and 0.00007; TOPMed 0.00005; ExAC 0.00002.
gnomAD v4.1: 243 of 1,612,224 alleles (0.015%); highest among the groups gnomAD compares: East Asian, 0.43%; no homozygotes.

Submissions (4):

PreventionGenetics, part of Exact Sciences
Classification: Uncertain significance for PCNT-related condition. Last evaluated: 2026-06-16. Review status: criteria provided, single submitter. Criteria: ACMG Guidelines, 2015. Collection method: clinical testing. Allele origin: germline.
Comment: The PCNT c.5647C>T variant is predicted to result in the amino acid substitution p.Arg1883Trp. This variant was reported as a variant of uncertain significance in a study of infants who were small for gestational age (Park et al. 2022. PubMed ID: 35806993). This variant is reported in 0.010% of alleles in individuals of East Asian descent in gnomAD. At this time, the clinical significance of this variant is uncertain due to the absence of conclusive functional and genetic evidence.

3billion
Classification: Likely benign for Microcephalic osteodysplastic primordial dwarfism type II. Last evaluated: 2024-09-20. Review status: criteria provided, single submitter. Criteria: ACMG Guidelines, 2015. Collection method: clinical testing. Allele origin: germline. Affected: no.
Comment: The homozygous variant was found in patients diagnosed with another variant in a different gene, with no symptoms related to the gene containing the homozygous variant.

Labcorp Genetics (formerly Invitae), Labcorp
Classification: Uncertain significance. Last evaluated: 2024-05-29. Review status: criteria provided, single submitter. Criteria: Invitae Variant Classification Sherloc (09022015). Collection method: clinical testing. Allele origin: germline.
Comment: This sequence change replaces arginine, which is basic and polar, with tryptophan, which is neutral and slightly polar, at codon 1883 of the PCNT protein (p.Arg1883Trp). This variant is present in population databases (rs746468689, gnomAD 0.01%). This variant has not been reported in the literature in individuals affected with PCNT-related conditions. ClinVar contains an entry for this variant (Variation ID: 897032). Algorithms developed to predict the effect of missense changes on protein structure and function output the following: SIFT: "Not Available"; PolyPhen-2: "Benign"; Align-GVGD: "Not Available". The tryptophan amino acid residue is found in multiple mammalian species, which suggests that this missense change does not adversely affect protein function. In summary, the available evidence is currently insufficient to determine the role of this variant in disease. Therefore, it has been classified as a Variant of Uncertain Significance.

Illumina Laboratory Services, Illumina
Classification: Uncertain significance for Microcephalic osteodysplastic primordial dwarfism type II. Last evaluated: 2018-01-13. Review status: criteria provided, single submitter. Criteria: ICSL Variant Classification Criteria 13 December 2019. Collection method: clinical testing. Allele origin: germline.

NM_006031.6(PCNT):c.5647C>T (p.Arg1883Trp)

Gene: PCNT (pericentrin; plus strand). Cytogenetic location: 21q22.3.
Variant type: single nucleotide variant.
Coding change: c.5647C>T on transcript NM_006031.6 (MANE Select); coding-DNA position 5647, C replaced by T.
Protein change: p.Arg1883Trp; replaces arginine 1883 with tryptophan.
Molecular consequence: missense variant.
Genome position (GRCh38, 1-based): chr21:46,411,720, C>T. VCF-style: chr21-46411720-C-T. GRCh37 (hg19) VCF-style: chr21-47831634-C-T.
Other names: c.5293C>T, p.Arg1765Trp (NM_001315529.2); short protein forms R1883W, R1765W.
Identifiers: ClinVar variation 897032 (VCV000897032.11), dbSNP rs746468689, ClinGen allele CA10080047.
Genomic context (GRCh38, chr21:46,411,720, plus strand): 5'-CTGAAAGCAAAGGAAGCGACGATTGCCGAGAGAAATTTAGAAATCGACGCTCTGAACCAG[C>T]GGAAGGCGGCCCACTCTGCCGAGCTGGAGGCCGTCCTGTTGGCCTTGGCCCGCATCCGCC-3'
Protein context (NP_006022.3, residues 1873-1893): RNLEIDALNQ[Arg1883Trp]KAAHSAELEA